The following is an entry in ClinVar:

NM_000395.3(CSF2RB):c.1745A>T (p.Lys582Ile)

Gene: CSF2RB (colony stimulating factor 2 receptor subunit beta; plus strand). Cytogenetic location: 22q12.3.
Variant type: single nucleotide variant.
Coding change: c.1745A>T on transcript NM_000395.3 (MANE Select); coding-DNA position 1745, A replaced by T.
Protein change: p.Lys582Ile; replaces lysine 582 with isoleucine.
Molecular consequence: missense variant.
Genome position (GRCh38, 1-based): chr22:36,937,553, A>T. VCF-style: chr22-36937553-A-T. GRCh37 (hg19) VCF-style: chr22-37333595-A-T.
Other names: c.1763A>T, p.Lys588Ile (NM_001410827.1); short protein forms K582I, K588I.
Identifiers: ClinVar variation 4803732 (VCV004803732.1).

ClinVar aggregate classification (germline): Uncertain significance (1 of 4 stars; one submission).

gnomAD v4.1: 78 of 1,613,138 alleles (0.0048%); highest among the groups gnomAD compares: Non-Finnish European, 0.0064%; no homozygotes.

Submission:

Labcorp Genetics (formerly Invitae), Labcorp
Classification: Uncertain significance. Last evaluated: 2026-01-12. Review status: criteria provided, single submitter. Criteria: Invitae Variant Classification Sherloc (09022015). Collection method: clinical testing. Allele origin: germline.
Comment: This sequence change replaces lysine, which is basic and polar, with isoleucine, which is neutral and non-polar, at codon 582 of the CSF2RB protein (p.Lys582Ile). This variant is present in population databases (rs771023441, gnomAD 0.004%). This variant has not been reported in the literature in individuals affected with CSF2RB-related conditions. Invitae Evidence Modeling of protein sequence and biophysical properties (such as structural, functional, and spatial information, amino acid conservation, physicochemical variation, residue mobility, and thermodynamic stability) indicates that this missense variant is not expected to disrupt CSF2RB protein function with a negative predictive value of 80%. In summary, the available evidence is currently insufficient to determine the role of this variant in disease. Therefore, it has been classified as a Variant of Uncertain Significance.